The following is an entry in ClinVar:

NM_001378454.1(ALMS1):c.10306G>A (p.Glu3436Lys)

Gene: ALMS1 (ALMS1 centrosome and basal body associated protein; plus strand). Cytogenetic location: 2p13.1.
Variant type: single nucleotide variant.
Coding change: c.10306G>A on transcript NM_001378454.1 (MANE Select); coding-DNA position 10306, G replaced by A.
Protein change: p.Glu3436Lys; replaces glutamic acid 3436 with lysine.
Molecular consequence: missense variant.
Genome position (GRCh38, 1-based): chr2:73,559,064, G>A. VCF-style: chr2-73559064-G-A. GRCh37 (hg19) VCF-style: chr2-73786191-G-A.
Other names: c.10309G>A, p.Glu3437Lys (NM_015120.4); short protein forms E3437K, E3436K.
Identifiers: ClinVar variation 3716902 (VCV003716902.2).

ClinVar aggregate classification (germline): Uncertain significance (1 of 4 stars; one submission).

Conditions:
Alstrom syndrome (ALMS). Identifiers: Orphanet 64, MedGen C0268425, MONDO:0008763, OMIM 203800.

Submission:

Labcorp Genetics (formerly Invitae), Labcorp
Classification: Uncertain significance for Alstrom syndrome. Last evaluated: 2024-04-16. Review status: criteria provided, single submitter. Criteria: Invitae Variant Classification Sherloc (09022015). Collection method: clinical testing. Allele origin: germline.
Comment: This sequence change replaces glutamic acid, which is acidic and polar, with lysine, which is basic and polar, at codon 3437 of the ALMS1 protein (p.Glu3437Lys). This variant is not present in population databases (gnomAD no frequency). This variant has not been reported in the literature in individuals affected with ALMS1-related conditions. Experimental studies and prediction algorithms are not available or were not evaluated, and the functional significance of this variant is currently unknown. In summary, the available evidence is currently insufficient to determine the role of this variant in disease. Therefore, it has been classified as a Variant of Uncertain Significance.